The following is an entry in ClinVar:

ClinVar aggregate classification (germline): Likely benign (0 of 4 stars; one submission).

Conditions:
NUP133-related disorder. Also called: NUP133-related condition.

Allele frequency attached by ClinVar (database versions not stated): gnomAD 0.00001; TOPMed 0.00001; ExAC 0.00002.
gnomAD v4.1: 12 of 1,614,076 alleles (0.00074%); highest among the groups gnomAD compares: African/African-American, 0.0013%; no homozygotes.

Submission:

PreventionGenetics, part of Exact Sciences
Classification: Likely benign for NUP133-related condition. Last evaluated: 2020-02-03. Review status: no assertion criteria provided. Collection method: clinical testing. Allele origin: germline.
Comment: This variant is classified as likely benign based on ACMG/AMP sequence variant interpretation guidelines (Richards et al. 2015 PMID: 25741868, with internal and published modifications).

NM_018230.3(NUP133):c.2046C>T (p.Asn682=)

Gene: NUP133 (nucleoporin 133; minus strand). Cytogenetic location: 1q42.13.
Variant type: single nucleotide variant.
Coding change: c.2046C>T on transcript NM_018230.3 (MANE Select); coding-DNA position 2046, C replaced by T.
Protein change: p.Asn682=; no amino-acid change (asparagine 682 retained).
Molecular consequence: synonymous variant.
Genome position (GRCh38, 1-based): chr1:229,470,610, G>A on the plus strand (C>T on the coding strand, the complement: NUP133 is on the minus strand). VCF-style: chr1-229470610-G-A. GRCh37 (hg19) VCF-style: chr1-229606357-G-A.
Identifiers: ClinVar variation 3050917 (VCV003050917.2), dbSNP rs766875548, ClinGen allele CA1443390.